The following is an entry in ClinVar:

NM_001165963.4(SCN1A):c.4002+2347T>C

Genes: SCN1A (sodium voltage-gated channel alpha subunit 1; minus strand), LOC102724058 (uncharacterized LOC102724058; plus strand). Cytogenetic location: 2q24.3.
Variant type: single nucleotide variant.
Coding change: c.4002+2347T>C on transcript NM_001165963.4 (MANE Select); 2347 bases into the intron after coding-DNA position 4002, T replaced by C.
Molecular consequence: intron variant.
Genome position (GRCh38, 1-based): chr2:166,007,372, A>G on the plus strand (T>C on the coding strand, the complement: SCN1A is on the minus strand). VCF-style: chr2-166007372-A-G. GRCh37 (hg19) VCF-style: chr2-166863882-A-G.
Other names: c.3969+2347T>C (NM_001353949.2, NM_001353950.2, NM_001353951.2 and 2 more transcripts); c.3918+2347T>C (NM_001353958.2, NM_001353957.2, NM_001165964.3); c.4002+2347T>C (NM_001202435.3, NM_001353948.2); c.3966+2347T>C (NM_001353955.2, NM_001353954.2); c.3915+2347T>C (NM_001353960.2); c.1560+2347T>C (NM_001353961.2).
Identifiers: ClinVar variation 2960867 (VCV002960867.3), dbSNP rs1476753090, ClinGen allele CA537134251.

ClinVar aggregate classification (germline): Uncertain significance (1 of 4 stars; one submission).

Conditions:
Early-infantile DEE. Also called: Early infantile epileptic encephalopathy with suppression bursts; Early infantile epileptic encephalopathy; Ohtahara syndrome. Identifiers: Orphanet 1934, MedGen C0393706, MONDO:0800491.

gnomAD v4.1: 2 of 151,280 alleles (0.0013%); highest among the groups gnomAD compares: Non-Finnish European, 0.003%; no homozygotes.

Submission:

Labcorp Genetics (formerly Invitae), Labcorp
Classification: Uncertain significance for Early-infantile DEE. Last evaluated: 2024-05-15. Review status: criteria provided, single submitter. Criteria: Invitae Variant Classification Sherloc (09022015). Collection method: clinical testing. Allele origin: germline.
Comment: This sequence change falls in intron 20 of the SCN1A gene. It does not directly change the encoded amino acid sequence of the SCN1A protein. However, this sequence change falls within a region encompassing a cryptic exon in the SCN1A gene, in which variants have been shown to alter splicing (PMID: 30526861, 34107977). This variant is present in population databases (no rsID available, gnomAD 0.007%). This variant has not been reported in the literature in individuals affected with SCN1A-related conditions. Algorithms developed to predict the effect of sequence changes on RNA splicing suggest that this variant is not likely to affect RNA splicing. In summary, the available evidence is currently insufficient to determine the role of this variant in disease. Therefore, it has been classified as a Variant of Uncertain Significance.

Literature cited by the submitters: PubMed 30526861; PubMed 34107977.